The following is an entry in ClinVar:

NM_000263.4(NAGLU):c.1930T>G (p.Tyr644Asp)

Gene: NAGLU (N-acetyl-alpha-glucosaminidase; plus strand). Cytogenetic location: 17q21.2.
Variant type: single nucleotide variant.
Coding change: c.1930T>G on transcript NM_000263.4 (MANE Select); coding-DNA position 1930, T replaced by G.
Protein change: p.Tyr644Asp; replaces tyrosine 644 with aspartic acid.
Molecular consequence: missense variant.
Genome position (GRCh38, 1-based): chr17:42,543,936, T>G. VCF-style: chr17-42543936-T-G. GRCh37 (hg19) VCF-style: chr17-40695954-T-G.
Other names: short protein forms Y644D.
Identifiers: ClinVar variation 1508553 (VCV001508553.6), dbSNP rs2143114887, ClinGen allele CA399605519.

ClinVar aggregate classification (germline): Uncertain significance (1 of 4 stars; one submission).

Conditions:
Mucopolysaccharidosis, MPS-III-B (MPS3B). Also called: N-ACETYL-ALPHA-D-GLUCOSAMINIDASE DEFICIENCY; NAGLU DEFICIENCY; SANFILIPPO SYNDROME B; MPS III B; MPS IIIB (Sanfilippo Syndrome Type B); MUCOPOLYSACCHARIDOSIS, TYPE IIIB. Identifiers: Orphanet 79270, MedGen C0086648, MONDO:0009656, OMIM 252920.
Charcot-Marie-Tooth disease axonal type 2V. Also called: CHARCOT-MARIE-TOOTH NEUROPATHY, TYPE 2V; CHARCOT-MARIE-TOOTH DISEASE, AXONAL, AUTOSOMAL DOMINANT, TYPE 2V. Identifiers: Orphanet 447964, MedGen C5569050, MONDO:0014665, OMIM 616491.

Submission:

Labcorp Genetics (formerly Invitae), Labcorp
Classification: Uncertain significance for Charcot-Marie-Tooth disease axonal type 2V; Mucopolysaccharidosis, MPS-III-B. Last evaluated: 2024-04-17. Review status: criteria provided, single submitter. Criteria: Invitae Variant Classification Sherloc (09022015). Collection method: clinical testing. Allele origin: germline.
Comment: This sequence change replaces tyrosine, which is neutral and polar, with aspartic acid, which is acidic and polar, at codon 644 of the NAGLU protein (p.Tyr644Asp). This variant is not present in population databases (gnomAD no frequency). This variant has not been reported in the literature in individuals affected with NAGLU-related conditions. ClinVar contains an entry for this variant (Variation ID: 1508553). Advanced modeling of protein sequence and biophysical properties (such as structural, functional, and spatial information, amino acid conservation, physicochemical variation, residue mobility, and thermodynamic stability) performed at Invitae indicates that this missense variant is expected to disrupt NAGLU protein function with a positive predictive value of 95%. In summary, the available evidence is currently insufficient to determine the role of this variant in disease. Therefore, it has been classified as a Variant of Uncertain Significance.